The following is an entry in ClinVar:

ClinVar aggregate classification (germline): Uncertain significance (1 of 4 stars; one submission).

Conditions:
Hereditary pancreatitis (PCTT). Also called: Hereditary chronic pancreatitis; PRSS1-Related Hereditary Pancreatitis. Identifiers: Orphanet 676, MedGen C0238339, MONDO:0008185, OMIM 167800.

Submission:

Ambry Genetics
Classification: Uncertain significance for Hereditary pancreatitis. Last evaluated: 2025-08-21. Review status: criteria provided, single submitter. Criteria: Ambry Variant Classification Scheme 2023. Collection method: clinical testing. Allele origin: germline.
Comment: The p.L52F variant (also known as c.154C>T), located in coding exon 2 of the PRSS1 gene, results from a C to T substitution at nucleotide position 154. The leucine at codon 52 is replaced by phenylalanine, an amino acid with highly similar properties. This amino acid position is conserved. In addition, this alteration is predicted to be deleterious by in silico analysis. Based on the available evidence, the clinical significance of this variant remains unclear.

NM_002769.5(PRSS1):c.154C>T (p.Leu52Phe)

Genes: PRSS1 (serine protease 1; plus strand), TRB (T cell receptor beta locus; plus strand). Cytogenetic location: 7q34.
Variant type: single nucleotide variant.
Coding change: c.154C>T on transcript NM_002769.5 (MANE Select); coding-DNA position 154, C replaced by T.
Protein change: p.Leu52Phe; replaces leucine 52 with phenylalanine.
Molecular consequence: missense variant. On other transcripts: non-coding transcript variant (4).
Genome position (GRCh38, 1-based): chr7:142,750,668, C>T. VCF-style: chr7-142750668-C-T. GRCh37 (hg19) VCF-style: chr7-142458519-C-T.
Other names: short protein forms L52F.
Identifiers: ClinVar variation 4145706 (VCV004145706.1).